The following is an entry in ClinVar:

NM_001267550.2(TTN):c.80414A>C (p.Glu26805Ala)

Genes: TTN (titin; minus strand), TTN-AS1 (TTN antisense RNA 1; plus strand). Cytogenetic location: 2q31.2.
Variant type: single nucleotide variant.
Coding change: c.80414A>C on transcript NM_001267550.2 (MANE Select); coding-DNA position 80414, A replaced by C.
Protein change: p.Glu26805Ala; replaces glutamic acid 26805 with alanine.
Molecular consequence: missense variant.
Genome position (GRCh38, 1-based): chr2:178,565,718, T>G on the plus strand (A>C on the coding strand, the complement: TTN is on the minus strand). VCF-style: chr2-178565718-T-G. GRCh37 (hg19) VCF-style: chr2-179430445-T-G.
Other names: p.E25164A:GAA>GCA; c.75491A>C, p.Glu25164Ala (NM_001256850.1); c.53219A>C, p.Glu17740Ala (NM_003319.4); c.72710A>C, p.Glu24237Ala (NM_133378.4); c.53594A>C, p.Glu17865Ala (NM_133432.3); c.53795A>C, p.Glu17932Ala (NM_133437.4); short protein forms E25164A, E26805A, E24237A, E17740A, E17865A, E17932A.
Identifiers: ClinVar variation 202899 (VCV000202899.13), dbSNP rs370095455, ClinGen allele CA310629.

ClinVar aggregate classification (germline): Uncertain significance. Review status: criteria provided, multiple submitters, no conflicts (2 of 4 stars). 7 submissions from 7 submitters: Uncertain significance (5). 2 of the submissions do not count toward it. Last evaluated 2025-11-11.

Conditions:
TTN-related disorder. Also called: TTN-related condition; TTN-related disease; TTN-related disorders.
Early-onset myopathy with fatal cardiomyopathy (CMYO5). Also called: Salih Myopathy; CONGENITAL MYOPATHY 5 WITH CARDIOMYOPATHY. Identifiers: Orphanet 289377, MedGen C2673677, MONDO:0012714, OMIM 611705. Disease mechanism: loss of function.
Dilated cardiomyopathy 1G (CMD1G). Identifiers: Orphanet 154, MedGen C1858763, MONDO:0011400, OMIM 604145.
Autosomal recessive limb-girdle muscular dystrophy type 2J (LGMDR10). Also called: Limb-girdle muscular dystrophy, type 2J; MUSCULAR DYSTROPHY, LIMB-GIRDLE, AUTOSOMAL RECESSIVE 10. Identifiers: Orphanet 140922, MedGen C1837342, MONDO:0012127, OMIM 608807.
Tibial muscular dystrophy (TMD). Also called: Tibial muscular dystrophy, tardive; Udd Distal Myopathy – Tibial Muscular Dystrophy; UDD MYOPATHY. Identifiers: Orphanet 609, MedGen C1838244, MONDO:0010870, OMIM 600334.
Myopathy, myofibrillar, 9, with early respiratory failure (MFM9). Also called: Myopathy, distal, with early respiratory failure, autosomal dominant; MYOPATHY, PROXIMAL, WITH EARLY RESPIRATORY MUSCLE INVOLVEMENT; Hereditary myopathy with early respiratory failure; EDSTROM MYOPATHY. Identifiers: Orphanet 178464, Orphanet 34521, MedGen C1863599, MONDO:0011362, OMIM 603689.
Hypertrophic cardiomyopathy 9. Also called: Familial hypertrophic cardiomyopathy 9. Identifiers: MedGen C1861065, MONDO:0013412, OMIM 613765.

Allele frequency attached by ClinVar (database versions not stated): gnomAD 0.00001; gnomAD exomes 0.00002 and 0.00005; ExAC 0.00003; TOPMed 0.00004; ESP Exome Variant Server 0.00008.
gnomAD v4.1: 74 of 1,613,472 alleles (0.0046%); highest among the groups gnomAD compares: Non-Finnish European, 0.006%; no homozygotes.

Submissions (7):

PreventionGenetics, part of Exact Sciences
Classification: Uncertain significance for TTN-related condition. Last evaluated: 2025-11-11. Review status: criteria provided, single submitter. Criteria: ACMG Guidelines, 2015. Collection method: clinical testing. Allele origin: germline.
Comment: The TTN c.80414A>C variant is predicted to result in the amino acid substitution p.Glu26805Ala. This variant has been reported as a variant of uncertain significance in an individual with mitral valve prolapse (Supplementary table 2, van Wijngaarden et al. 2020. PubMed ID: 32277046). This variant is reported in 0.0047% of alleles in individuals of European (Non-Finnish) descent in gnomAD. At this time, the clinical significance of this variant is uncertain due to the absence of conclusive functional and genetic evidence.

Revvity Omics, Revvity
Classification: Uncertain significance. Last evaluated: 2024-12-18. Review status: criteria provided, single submitter. Criteria: ACMG Guidelines, 2015. Collection method: clinical testing. Allele origin: germline.

Fulgent Genetics
Classification: Uncertain significance for Tibial muscular dystrophy; Myopathy, myofibrillar, 9, with early respiratory failure; Dilated cardiomyopathy 1G; Autosomal recessive limb-girdle muscular dystrophy type 2J; Early-onset myopathy with fatal cardiomyopathy; Hypertrophic cardiomyopathy 9. Last evaluated: 2021-09-30. Review status: criteria provided, single submitter. Criteria: ACMG Guidelines, 2015. Collection method: clinical testing. Allele origin: unknown.

Eurofins Ntd Llc (ga)
Classification: Uncertain significance. Last evaluated: 2017-11-09. Review status: criteria provided, single submitter. Criteria: EGL Classification Definitions 2015. Collection method: clinical testing. Allele origin: germline. Observed: 1 variant allele, 1 heterozygote.

GeneDx
Classification: Uncertain significance. Last evaluated: 2014-11-13. Review status: criteria provided, single submitter. Criteria: GeneDx Variant Classification (06012015). Collection method: clinical testing. Allele origin: germline. Affected: yes.
Comment: Missense variants in the TTN gene are considered 'unclassified' if they are not previously reported in the literature and do not have >1% frequency in the population to be considered a polymorphism. Research indicates that truncating mutations in the TTN gene are expected to account for approximately 25% of familial and 18% of sporadic idiopathic DCM; however, truncating variants in the TTN gene have been reported in approximately 3% of reported control alleles. There has been little investigation into non-truncating variants. (Herman D et al. Truncations of titin causing dilated cardiomyopathy. N Eng J Med 366:619-628, 2012) The variant is found in DCM-CRDM panel(s).

Clinical Genetics DNA and cytogenetics Diagnostics Lab, Erasmus MC, Erasmus Medical Center
Classification: Uncertain significance. Review status: no assertion criteria provided. Collection method: clinical testing. Allele origin: germline. Affected: yes. Study: VKGL Data-share Consensus. Not counted in ClinVar's aggregate classification.

Diagnostic Laboratory, Department of Genetics, University Medical Center Groningen
Classification: Uncertain significance. Review status: no assertion criteria provided. Collection method: clinical testing. Allele origin: germline. Affected: yes. Study: VKGL Data-share Consensus. Not counted in ClinVar's aggregate classification.